The following is an entry in ClinVar:

ClinVar aggregate classification (germline): Uncertain significance (1 of 4 stars; one submission).

gnomAD v4.1: 5 of 1,614,190 alleles (0.00031%); highest among the groups gnomAD compares: Non-Finnish European, 0.00042%; no homozygotes.

Submission:

Labcorp Genetics (formerly Invitae), Labcorp
Classification: Uncertain significance. Last evaluated: 2022-03-23. Review status: criteria provided, single submitter. Criteria: Invitae Variant Classification Sherloc (09022015). Collection method: clinical testing. Allele origin: germline.
Comment: This variant is present in population databases (rs371843104, gnomAD 0.0009%). This sequence change replaces aspartic acid, which is acidic and polar, with asparagine, which is neutral and polar, at codon 211 of the TRAK1 protein (p.Asp211Asn). This variant has not been reported in the literature in individuals affected with TRAK1-related conditions. Algorithms developed to predict the effect of missense changes on protein structure and function are either unavailable or do not agree on the potential impact of this missense change (SIFT: "Deleterious"; PolyPhen-2: "Probably Damaging"; Align-GVGD: "Class C0"). In summary, the available evidence is currently insufficient to determine the role of this variant in disease. Therefore, it has been classified as a Variant of Uncertain Significance.

NM_001042646.3(TRAK1):c.631G>A (p.Asp211Asn)

Gene: TRAK1 (trafficking kinesin protein 1; plus strand). Cytogenetic location: 3p22.1.
Variant type: single nucleotide variant.
Coding change: c.631G>A on transcript NM_001042646.3 (MANE Select); coding-DNA position 631, G replaced by A.
Protein change: p.Asp211Asn; replaces aspartic acid 211 with asparagine.
Molecular consequence: missense variant. On other transcripts: non-coding transcript variant (1).
Genome position (GRCh38, 1-based): chr3:42,189,065, G>A. VCF-style: chr3-42189065-G-A. GRCh37 (hg19) VCF-style: chr3-42230557-G-A.
Other names: c.631G>A, p.Asp211Asn (NM_001265608.2, NM_001349246.2, NM_001349247.2); c.409G>A, p.Asp137Asn (NM_001265609.2, NM_001265610.1, NM_001349248.1 and 1 more transcripts); c.319G>A, p.Asp107Asn (NM_001349245.1); c.457G>A, p.Asp153Asn (NM_001410741.1, NM_014965.5); short protein forms D107N, D137N, D153N, D211N.
Identifiers: ClinVar variation 2115785 (VCV002115785.4), dbSNP rs371843104, ClinGen allele CA2333194.
Genomic context (GRCh38, chr3:42,189,065, plus strand): 5'-TTCTCCCCCAGGTTGAAGAGGAATGAGTCGTCCTCCTCAGTCCAGAATTACTTTCATTTG[G>A]ATTCTCTTCAAAAGAAGCTGAAAGACCTTGAAGAGGAGAATGTTGTACTTCGATCCGAGG-3'
Protein context (NP_001036111.1, residues 201-221): SSSVQNYFHL[Asp211Asn]SLQKKLKDLE